The following is an entry in ClinVar:

NM_001128929.3(ROBO2):c.54A>G (p.Gly18=)

Gene: ROBO2 (roundabout guidance receptor 2; plus strand). Cytogenetic location: 3p12.3.
Variant type: single nucleotide variant.
Coding change: c.54A>G on transcript NM_001128929.3; coding-DNA position 54, A replaced by G.
Protein change: p.Gly18=; no amino-acid change (glycine 18 retained).
Molecular consequence: synonymous variant.
Genome position (GRCh38, 1-based): chr3:75,937,547, A>G. VCF-style: chr3-75937547-A-G. GRCh37 (hg19) VCF-style: chr3-75986698-A-G.
Other names: c.54A>G, p.Gly18= (NM_001378190.1, NM_001378191.1, NM_001378195.1 and 4 more transcripts).
Identifiers: ClinVar variation 3040686 (VCV003040686.2), dbSNP rs764384584, ClinGen allele CA77722767.

ClinVar aggregate classification (germline): Likely benign (0 of 4 stars; one submission).

Conditions:
ROBO2-related disorder. Also called: ROBO2-related condition.

Allele frequency attached by ClinVar (database versions not stated): ExAC 0.00006.

Submission:

PreventionGenetics, part of Exact Sciences
Classification: Likely benign for ROBO2-related condition. Last evaluated: 2019-02-27. Review status: no assertion criteria provided. Collection method: clinical testing. Allele origin: germline.
Comment: This variant is classified as likely benign based on ACMG/AMP sequence variant interpretation guidelines (Richards et al. 2015 PMID: 25741868, with internal and published modifications).